The following is an entry in ClinVar:

ClinVar aggregate classification (germline): Benign/Likely benign. Review status: criteria provided, multiple submitters, no conflicts (2 of 4 stars). 5 submissions from 5 submitters: Benign (1); Likely benign (3). 1 of the submissions does not count toward it. Last evaluated 2025-05-11.

Conditions:
CREBBP-related disorder. Also called: CREBBP-related disorders; CREBBP-related condition.
Inborn genetic diseases. Identifiers: MedGen C0950123, MeSH D030342.
Rubinstein-Taybi syndrome (RSTS). Identifiers: Orphanet 783, MedGen C0035934, MONDO:0019188.

Allele frequency attached by ClinVar (database versions not stated): ExAC 0.00016; gnomAD 0.00019; ESP Exome Variant Server 0.00023; TOPMed 0.00023; 1000 Genomes Project 30x 0.00031; 1000 Genomes Project 0.00040; gnomAD exomes 0.00007.
gnomAD v4.1: 131 of 1,613,892 alleles (0.0081%); highest among the groups gnomAD compares: African/African-American, 0.064%; no homozygotes.

Submissions (5):

Labcorp Genetics (formerly Invitae), Labcorp
Classification: Benign for Rubinstein-Taybi syndrome. Last evaluated: 2025-05-11. Review status: criteria provided, single submitter. Criteria: Invitae Variant Classification Sherloc (09022015). Collection method: clinical testing. Allele origin: germline.

CeGaT Center for Human Genetics Tuebingen
Classification: Likely benign. Last evaluated: 2024-09-01. Review status: criteria provided, single submitter. Criteria: CeGaT Center For Human Genetics Tuebingen Variant Classification Criteria Version 2. Collection method: clinical testing. Allele origin: germline. Affected: yes. Observed: 2 variant alleles.
Comment: CREBBP: BP4

Ambry Genetics
Classification: Likely benign for Inborn genetic diseases. Last evaluated: 2022-09-15. Review status: criteria provided, single submitter. Criteria: Ambry Variant Classification Scheme 2023. Collection method: clinical testing. Allele origin: germline.

Blueprint Genetics
Classification: Likely benign. Last evaluated: 2022-06-03. Review status: criteria provided, single submitter. Criteria: ACMG Guidelines, 2015. Collection method: clinical testing. Allele origin: germline.

PreventionGenetics, part of Exact Sciences
Classification: Likely benign for CREBBP-related condition. Last evaluated: 2022-07-19. Review status: no assertion criteria provided. Collection method: clinical testing. Allele origin: germline. Not counted in ClinVar's aggregate classification.
Comment: This variant is classified as likely benign based on ACMG/AMP sequence variant interpretation guidelines (Richards et al. 2015 PMID: 25741868, with internal and published modifications).

NM_004380.3(CREBBP):c.6332A>G (p.Asn2111Ser)

Gene: CREBBP (CREB binding lysine acetyltransferase; minus strand). Cytogenetic location: 16p13.3.
Variant type: single nucleotide variant.
Coding change: c.6332A>G on transcript NM_004380.3 (MANE Select); coding-DNA position 6332, A replaced by G.
Protein change: p.Asn2111Ser; replaces asparagine 2111 with serine.
Molecular consequence: missense variant.
Genome position (GRCh38, 1-based): chr16:3,728,715, T>C on the plus strand (A>G on the coding strand, the complement: CREBBP is on the minus strand). VCF-style: chr16-3728715-T-C. GRCh37 (hg19) VCF-style: chr16-3778716-T-C.
Other names: c.6218A>G, p.Asn2073Ser (NM_001079846.1); c.6332A>G (NM_004380.2); short protein forms N2073S, N2111S.
Identifiers: ClinVar variation 2077299 (VCV002077299.23), dbSNP rs149930719, ClinGen allele CA7869141.